The following is an entry in ClinVar:

ClinVar aggregate classification (germline): Uncertain significance. Review status: reviewed by expert panel (3 of 4 stars). 2 submissions from 2 submitters: Uncertain significance (1). 1 of the submissions does not count toward it. Last evaluated 2025-03-26.

Conditions:
Hereditary thrombocytopenia and hematologic cancer predisposition syndrome. Identifiers: Orphanet 71290, MedGen CN281654, MONDO:0011071.
Inborn genetic diseases. Identifiers: MedGen C0950123, MeSH D030342.

Submissions (2):

ClinGen Myeloid Malignancy Variant Curation Expert Panel
Classification: Uncertain significance for Hereditary thrombocytopenia and hematologic cancer predisposition syndrome. Last evaluated: 2025-03-26. Review status: reviewed by expert panel. Criteria: ClinGen MyeloMalig ACMG Specifications v2. Collection method: curation. Allele origin: germline. Inheritance: Autosomal dominant inheritance.
Comment: NM_001754.5(RUNX1):c.533C>T (p.Thr178Ile) is a missense variant which has a REVEL score ≥ 0.88 (0.925) (PP3). This missense variant is located within the Runt Homology Domain (AA 89-204), but does not occur in an established hotspot residue (PM1_supporting). This variant is completely absent from all population databases with at least 20x coverage for RUNX1 (PM2_supporting). In summary, the clinical significance of this variant is uncertain. ACMG/AMP criteria applied, as specified by the Myeloid Malignancy Variant Curation Expert Panel for RUNX1: PP3, PM1_supporting, PM2_supporting.

Ambry Genetics
Classification: Uncertain significance for Inborn genetic diseases. Last evaluated: 2024-11-18. Review status: criteria provided, single submitter. Criteria: Ambry Variant Classification Scheme 2023. Collection method: clinical testing. Allele origin: germline. Not counted in ClinVar's aggregate classification.
Comment: The p.T178I variant (also known as c.533C>T), located in coding exon 5 of the RUNX1 gene, results from a C to T substitution at nucleotide position 533. The threonine at codon 178 is replaced by isoleucine, an amino acid with similar properties. This amino acid position is conserved. In addition, this alteration is predicted to be deleterious by in silico analysis. Based on the available evidence, the clinical significance of this variant remains unclear.

NM_001754.5(RUNX1):c.533C>T (p.Thr178Ile)

Genes: RUNX1 (RUNX family transcription factor 1; minus strand), RUNX1-AS1 (RUNX1 antisense RNA 1; plus strand). Cytogenetic location: 21q22.12.
Variant type: single nucleotide variant.
Coding change: c.533C>T on transcript NM_001754.5 (MANE Select); coding-DNA position 533, C replaced by T.
Protein change: p.Thr178Ile; replaces threonine 178 with isoleucine.
Molecular consequence: missense variant.
Genome position (GRCh38, 1-based): chr21:34,859,554, G>A on the plus strand (C>T on the coding strand, the complement: RUNX1 is on the minus strand). VCF-style: chr21-34859554-G-A. GRCh37 (hg19) VCF-style: chr21-36231851-G-A.
Other names: NM_001754.5(RUNX1):c.533C>T; p.Thr178Ile; c.452C>T, p.Thr151Ile (NM_001001890.3, NM_001122607.2); short protein forms T178I, T151I.
Identifiers: ClinVar variation 3436402 (VCV003436402.2).
Genomic context (GRCh38, chr21:34,859,554, plus strand): 5'-TCCACTGTGATTTTGATGGCTCTGTGGTAGGTGGCGACTTGCGGTGGGTTTGTGAAGACA[G>A]TGATGGTCAGAGTGAAGCTTTTCCCTGTGGGGACACGATAGAGAACAAAACAGAATGAGG-3'
Protein context (NP_001745.2, residues 168-188): GRGKSFTLTI[Thr178Ile]VFTNPPQVAT